The following is an entry in ClinVar:

NM_000719.7(CACNA1C):c.1366A>C (p.Met456Leu)

Gene: CACNA1C (calcium voltage-gated channel subunit alpha1 C; plus strand). Cytogenetic location: 12p13.33.
Variant type: single nucleotide variant.
Coding change: c.1366A>C on transcript NM_000719.7 (MANE Select); coding-DNA position 1366, A replaced by C.
Protein change: p.Met456Leu; replaces methionine 456 with leucine.
Molecular consequence: missense variant.
Genome position (GRCh38, 1-based): chr12:2,512,960, A>C. VCF-style: chr12-2512960-A-C. GRCh37 (hg19) VCF-style: chr12-2622126-A-C.
Other names: p.M456L:ATG>CTG; c.1366A>C, p.Met456Leu (NM_001129827.2, NM_001129829.2, NM_001129830.3 and 18 more transcripts); c.1357A>C, p.Met453Leu (NM_001129844.2); short protein forms M456L, M453L.
Identifiers: ClinVar variation 190636 (VCV000190636.13), dbSNP rs746887726, ClinGen allele CA301260.

ClinVar aggregate classification (germline): Uncertain significance. Review status: criteria provided, multiple submitters, no conflicts (2 of 4 stars). 4 submissions from 4 submitters: Uncertain significance (4). Last evaluated 2025-06-02.

Conditions:
CACNA1C-related disorder. Also called: CACNA1C-related disorders; CACNA1C-related condition. Identifiers: MedGen CN381092, MONDO:0700321.
Long QT syndrome (LQTS). Identifiers: MedGen C0023976, MeSH D008133, MONDO:0002442. Disease mechanism: loss of function. Inheritance: Various modes of inheritance.

Submissions (4):

PreventionGenetics, part of Exact Sciences
Classification: Uncertain significance for CACNA1C-related condition. Last evaluated: 2025-06-02. Review status: criteria provided, single submitter. Criteria: ACMG Guidelines, 2015. Collection method: clinical testing. Allele origin: germline.
Comment: The CACNA1C c.1366A>C variant is predicted to result in the amino acid substitution p.Met456Leu. To our knowledge, this variant has not been reported in the literature or in a large population database (gnomAD), indicating this variant is rare. At this time, the clinical significance of this variant is uncertain due to the absence of conclusive functional and genetic evidence.

Labcorp Genetics (formerly Invitae), Labcorp
Classification: Uncertain significance for Long QT syndrome. Last evaluated: 2024-09-12. Review status: criteria provided, single submitter. Criteria: Invitae Variant Classification Sherloc (09022015). Collection method: clinical testing. Allele origin: germline.
Comment: This sequence change replaces methionine, which is neutral and non-polar, with leucine, which is neutral and non-polar, at codon 456 of the CACNA1C protein (p.Met456Leu). This variant is not present in population databases (gnomAD no frequency). This variant has not been reported in the literature in individuals affected with CACNA1C-related conditions. ClinVar contains an entry for this variant (Variation ID: 190636). Invitae Evidence Modeling of protein sequence and biophysical properties (such as structural, functional, and spatial information, amino acid conservation, physicochemical variation, residue mobility, and thermodynamic stability) indicates that this missense variant is not expected to disrupt CACNA1C protein function with a negative predictive value of 95%. In summary, the available evidence is currently insufficient to determine the role of this variant in disease. Therefore, it has been classified as a Variant of Uncertain Significance.

Women's Health and Genetics/Laboratory Corporation of America, LabCorp
Classification: Uncertain significance. Last evaluated: 2024-05-13. Review status: criteria provided, single submitter. Criteria: LabCorp Variant Classification Summary - May 2015. Collection method: clinical testing. Allele origin: germline.
Comment: Variant summary: CACNA1C c.1366A>C (p.Met456Leu) results in a conservative amino acid change in the encoded protein sequence. Five of five in-silico tools predict a benign effect of the variant on protein function. The variant was absent in 235532 control chromosomes. The available data on variant occurrences in the general population are insufficient to allow any conclusion about variant significance. To our knowledge, no occurrence of c.1366A>C in individuals affected with Timothy Syndrome and no experimental evidence demonstrating its impact on protein function have been reported. ClinVar contains an entry for this variant (Variation ID: 190636). Based on the evidence outlined above, the variant was classified as uncertain significance.

GeneDx
Classification: Uncertain significance. Last evaluated: 2020-11-18. Review status: criteria provided, single submitter. Criteria: GeneDx Variant Classification Process June 2021. Collection method: clinical testing. Allele origin: germline. Affected: yes.
Comment: Not observed in large population cohorts (Lek et al., 2016); In silico analysis supports that this missense variant does not alter protein structure/function; Has not been previously published as pathogenic or benign to our knowledge